The following is an entry in ClinVar:

ClinVar aggregate classification (germline): Pathogenic/Likely pathogenic. Review status: criteria provided, multiple submitters, no conflicts (2 of 4 stars). 11 submissions from 11 submitters: Pathogenic (5); Likely pathogenic (2). 4 of the submissions do not count toward it. Last evaluated 2025-12-29.

Conditions:
CACNA1C-related disorder. Also called: CACNA1C-related disorders; CACNA1C-related condition. Identifiers: MedGen CN381092, MONDO:0700321.
Long QT syndrome 8. Identifiers: MedGen CN260585, MONDO:0032756, OMIM 618447.
Cardiovascular phenotype. Identifiers: MedGen CN230736.
Long QT syndrome (LQTS). Identifiers: MedGen C0023976, MeSH D008133, MONDO:0002442. Disease mechanism: loss of function. Inheritance: Various modes of inheritance.

Allele frequency attached by ClinVar (database versions not stated): TOPMed 0.00001.
gnomAD v4.1: 8 of 1,613,630 alleles (0.0005%); highest among the groups gnomAD compares: African/African-American, 0.0013%; no homozygotes.

Submissions (11):

Labcorp Genetics (formerly Invitae), Labcorp
Classification: Pathogenic for Long QT syndrome. Last evaluated: 2025-12-29. Review status: criteria provided, single submitter. Criteria: Invitae Variant Classification Sherloc (09022015). Collection method: clinical testing. Allele origin: germline.
Comment: This sequence change replaces arginine, which is basic and polar, with histidine, which is basic and polar, at codon 858 of the CACNA1C protein (p.Arg858His). This variant is not present in population databases (gnomAD no frequency). This missense change has been observed in individuals with long QT syndrome (PMID: 23174487, 23631430, 24728418, 29016939, 30345660). It has also been observed to segregate with disease in related individuals. ClinVar contains an entry for this variant (Variation ID: 190653). Invitae Evidence Modeling of protein sequence and biophysical properties (such as structural, functional, and spatial information, amino acid conservation, physicochemical variation, residue mobility, and thermodynamic stability) has been performed for this missense variant. However, the output from this modeling did not meet the statistical confidence thresholds required to predict the impact of this variant on CACNA1C protein function. Experimental studies have shown that this missense change affects CACNA1C function (PMID: 24728418). For these reasons, this variant has been classified as Pathogenic.

Ambry Genetics
Classification: Likely pathogenic for Cardiovascular phenotype. Last evaluated: 2025-06-05. Review status: criteria provided, single submitter. Criteria: Ambry Variant Classification Scheme 2023. Collection method: clinical testing. Allele origin: germline.
Comment: The p.R858H variant (also known as c.2573G>A), located in coding exon 19 of the CACNA1C gene, results from a G to A substitution at nucleotide position 2573. The arginine at codon 858 is replaced by histidine, an amino acid with highly similar properties. This variant was detected in multiple individuals who met clinical criteria for long QT syndrome (LQTS), or had features of LQTS such as QTc prolongation or syncope; some of these individuals were related (Lieve KV et al. Genet Test Mol Biomarkers, 2013 Jul;17:553-61; Mullally J et al. Heart Rhythm, 2013 Mar;10:378-82; Fukuyama M et al. Europace, 2014 Dec;16:1828-37; Hellenthal N et al. Europace, 2017 Nov;19:1881-1890; Gardner RJM et al. Mol Genet Genomic Med, 2019 01;7:e00476; Fukuyama M et al. Circ J, 2020 03;84:559-568). This variant was also detected in multiple sudden death cases, one of which had cardiac findings (Hellenthal N et al. Europace, 2017 Nov;19:1881-1890; Larsen MK et al. Int J Legal Med, 2020 Jan;134:111-121). In vitro functional studies suggest that this alteration may impact protein function; however, the clinical significance of these studies is undetermined (Fukuyama M et al. Europace, 2014 Dec;16:1828-37). This amino acid position is highly conserved in available vertebrate species. In addition, this alteration is predicted to be deleterious by in silico analysis. This variant is considered to be rare based on population cohorts in the Genome Aggregation Database (gnomAD). Based on the supporting evidence, this variant is expected to be causative of long QT syndrome (LQTS); however, its clinical significance for Timothy syndrome is unclear.

Blueprint Genetics
Classification: Pathogenic for CACNA1C-related disorders. Last evaluated: 2023-04-25. Review status: criteria provided, single submitter. Criteria: ACMG Guidelines, 2015. Collection method: clinical testing. Allele origin: germline. Affected: yes. Observed: 5 variant alleles.

Molecular Diagnostic Laboratory for Inherited Cardiovascular Disease, Montreal Heart Institute
Classification: Pathogenic for Cardiovascular phenotype. Last evaluated: 2022-09-14. Review status: criteria provided, single submitter. Criteria: ACMG Guidelines, 2015. Collection method: clinical testing. Allele origin: germline. Affected: yes.

GeneDx
Classification: Pathogenic. Last evaluated: 2022-07-15. Review status: criteria provided, single submitter. Criteria: GeneDx Variant Classification Process June 2021. Collection method: clinical testing. Allele origin: germline. Affected: yes.
Comment: Not observed at significant frequency in large population cohorts (gnomAD); In silico analysis supports that this missense variant has a deleterious effect on protein structure/function; Published in vitro functional studies showed that p.(R858H) results in a gain-of-function of the cardiac L-type calcium channel (PMID: 24728418); This variant is associated with the following publications: (PMID: 29016939, 23174487, 25184293, 24728418, 26707467, 30027834, 30345660, 23631430, 29046645, 30513141, 31395126, 31729605, 32161207, 34691145, 31408100, 32062134, 30530868)

Mayo Clinic Laboratories, Mayo Clinic
Classification: Pathogenic. Last evaluated: 2021-01-26. Review status: criteria provided, single submitter. Criteria: ACMG Guidelines, 2015. Collection method: clinical testing. Allele origin: germline. Observed: 1 variant allele.
Comment: PS3, PP1_Strong, PS4_Moderate, PM1, PM2_Supporting, PP2, PP3

ARUP Laboratories, Molecular Genetics and Genomics, ARUP Laboratories
Classification: Likely pathogenic. Last evaluated: 2019-09-25. Review status: criteria provided, single submitter. Criteria: ARUP Molecular Germline Variant Investigation Process. Collection method: clinical testing. Allele origin: germline.
Comment: The CACNA1C c.2573G>A; p.Arg858His variant (rs786205753) is reported in the literature in multiple individuals with long QT syndrome or episodes of syncope, arrhythmia, or sudden unexpected death (Fukuyama 2014, Gardner 2019, Hellenthal 2017, Mullally 2013). This variant has been observed to co-segregate with disease in several families, including a large five-generation kindred, although it has been noted in asymptomatic relatives, suggesting incomplete penetrance (Fukuyama 2014, Gardner 2019). This variant is absent from general population databases (Exome Variant Server, Genome Aggregation Database), indicating it is not a common polymorphism. The arginine at codon 858 is highly conserved, computational analyses (SIFT, PolyPhen-2) predict that this variant is deleterious, and functional analyses indicate an increased current density relative to wildtype protein (Fukuyama 2014). Based on available information, this variant is considered to be likely pathogenic. References: Fukuyama M et al. Long QT syndrome type 8: novel CACNA1C mutations causing QT prolongation and variant phenotypes. Europace. 2014 Dec;16(12):1828-37. Gardner RJM et al. Penetrance and expressivity of the R858H CACNA1C variant in a five-generation pedigree segregating an arrhythmogenic channelopathy. Mol Genet Genomic Med. 2019 Jan;7(1):e00476. Hellenthal N et al. Molecular autopsy of sudden unexplained deaths reveals genetic predispositions for cardiac diseases among young forensic cases. Europace. 2017 Nov 1;19(11):1881-1890. Mullally J et al. Risk of life-threatening cardiac events among patients with long QT syndrome and multiple mutations. Heart Rhythm. 2013 Mar;10(3):378-82.

OMIM
Classification: Pathogenic for LONG QT SYNDROME 8. Last evaluated: 2019-06-05. Review status: no assertion criteria provided. Collection method: literature only. Allele origin: germline. Not counted in ClinVar's aggregate classification.

Clinical Genetics, Academic Medical Center
Classification: Pathogenic. Review status: no assertion criteria provided. Collection method: clinical testing. Allele origin: germline. Affected: yes. Study: VKGL Data-share Consensus. Not counted in ClinVar's aggregate classification.

Genome Diagnostics Laboratory, University Medical Center Utrecht
Classification: Pathogenic. Review status: no assertion criteria provided. Collection method: clinical testing. Allele origin: germline. Affected: yes. Study: VKGL Data-share Consensus. Not counted in ClinVar's aggregate classification.

Joint Genome Diagnostic Labs from Nijmegen and Maastricht, Radboudumc and MUMC+
Classification: Pathogenic. Review status: no assertion criteria provided. Collection method: clinical testing. Allele origin: germline. Affected: yes. Study: VKGL Data-share Consensus. Not counted in ClinVar's aggregate classification.

Literature cited by the submitters: PubMed 23174487 (cited by 3 submitters); PubMed 23631430 (cited by 3 submitters); PubMed 24728418 (cited by 4 submitters); PubMed 29016939 (cited by 3 submitters); PubMed 30345660 (cited by 4 submitters); PubMed 31729605 (cited by Ambry Genetics and Mayo Clinic Laboratories, Mayo Clinic); PubMed 32161207 (cited by Ambry Genetics); PubMed 23575362 (cited by Mayo Clinic Laboratories, Mayo Clinic); PubMed 30530868 (cited by Mayo Clinic Laboratories, Mayo Clinic); PubMed 29046645 (cited by Mayo Clinic Laboratories, Mayo Clinic).

NM_000719.7(CACNA1C):c.2573G>A (p.Arg858His)

Gene: CACNA1C (calcium voltage-gated channel subunit alpha1 C; plus strand). Cytogenetic location: 12p13.33.
Variant type: single nucleotide variant.
Coding change: c.2573G>A on transcript NM_000719.7 (MANE Select); coding-DNA position 2573, G replaced by A.
Protein change: p.Arg858His; replaces arginine 858 with histidine.
Molecular consequence: missense variant.
Genome position (GRCh38, 1-based): chr12:2,593,255, G>A. VCF-style: chr12-2593255-G-A. GRCh37 (hg19) VCF-style: chr12-2702421-G-A.
Other names: CACNA1C, ARG858HIS (rs786205753); c.2573G>A, p.Arg858His (NM_001129827.2, NM_001129829.2, NM_001129830.3 and 18 more transcripts); c.2564G>A, p.Arg855His (NM_001129844.2); c.2573G>A (NM_199460.3); short protein forms R858H, R855H.
Identifiers: ClinVar variation 190653 (VCV000190653.86), dbSNP rs786205753, ClinGen allele CA301396.